The following is an entry in ClinVar:

ClinVar aggregate classification (germline): Pathogenic (1 of 4 stars; one submission).

Conditions:
Duchenne muscular dystrophy (DMD). Also called: MUSCULAR DYSTROPHY, PSEUDOHYPERTROPHIC PROGRESSIVE, DUCHENNE TYPE; Duchenne Muscular Dystrophy (DMD). Identifiers: Orphanet 98896, MedGen C0013264, MONDO:0010679, OMIM 310200.

Submission:

Labcorp Genetics (formerly Invitae), Labcorp
Classification: Pathogenic for Duchenne muscular dystrophy. Last evaluated: 2023-09-29. Review status: criteria provided, single submitter. Criteria: Invitae Variant Classification Sherloc (09022015). Collection method: clinical testing. Allele origin: unknown.
Comment: This variant results in a copy number gain of the genomic region encompassing exon(s) 2-23 of the DMD gene. While the exact position of this variant cannot be determined from the data, sub-genic copy number gains are generally in tandem (PMID: 25640679). This variant is predicted to be out-of-frame, and may result in an absent or disrupted protein product. Loss-of-function variants in DMD are known to be pathogenic (PMID: 16770791, 25007885). A similar copy number variant has been observed in individual(s) with DMD-related conditions (Invitae). In at least one individual the variant was observed to be de novo. For these reasons, this variant has been classified as Pathogenic.

Literature cited by the submitters: PubMed 25640679; PubMed 16770791; PubMed 25007885.

NC_000023.10:g.(?_32486595)_(33038337_?)dup

Gene: DMD (dystrophin; minus strand). Cytogenetic location: Xp21.1.
Variant type: Duplication.
Identifiers: ClinVar variation 3242876 (VCV003242876.1).